The following is an entry in ClinVar:

ClinVar aggregate classification (germline): Pathogenic (1 of 4 stars; one submission).

Conditions:
Dilated cardiomyopathy 1BB (CMD1BB). Also called: CARDIOMYOPATHY, DILATED, 1BB, SUSCEPTIBILITY TO. Identifiers: Orphanet 154, MedGen C2752072, MONDO:0013030, OMIM 612877.

Submission:

Molecular Genetics Laboratory, Motol Hospital
Classification: Pathogenic for Dilated cardiomyopathy 1BB. Last evaluated: 2026-05-14. Review status: criteria provided, single submitter. Criteria: ACMG Guidelines, 2015. Collection method: clinical testing. Allele origin: germline. Inheritance: Sporadic. Affected: yes. Observed: 1 variant allele, 1 heterozygote.
Comment: Variant not present in non-Finnish European population (gnomAD v4.1.1) (PM2). Rare truncating variants in the DSG2 gene are associated with autosomal dominant or autosomal recessive conditions, including arrhythmogenic right ventricular dysplasia and dilated cardiomyopathy (PVS1). The variant is classified as pathogenic.

Literature cited by the submitters: PubMed 40123482; PubMed 41652012; PubMed 16773573.

NM_001943.5(DSG2):c.152G>A (p.Trp51Ter)

Gene: DSG2 (desmoglein 2; plus strand). Cytogenetic location: 18q12.1.
Variant type: single nucleotide variant.
Coding change: c.152G>A on transcript NM_001943.5 (MANE Select); coding-DNA position 152, G replaced by A.
Protein change: p.Trp51Ter; replaces tryptophan 51 with a stop codon.
Molecular consequence: nonsense.
Genome position (GRCh38, 1-based): chr18:31,519,873, G>A. VCF-style: chr18-31519873-G-A. GRCh37 (hg19) VCF-style: chr18-29099836-G-A.
Other names: short protein forms W51*.
Identifiers: ClinVar variation 4851275 (VCV004851275.1).
Genomic context (GRCh38, chr18:31,519,873, plus strand): 5'-CAAGAAATGAAAATAAGCTGCTTCCTAAACATCCTCATTTAGTGCGGCAAAAGCGCGCCT[G>A]GATCACCGCCCCCGTGGCTCTTCGGGAGGGAGAGGATCTGTCCAAGAAGAATCCAATTGC-3'